The following is an entry in ClinVar:

NM_001876.4(CPT1A):c.298C>T (p.Gln100Ter)

Gene: CPT1A (carnitine palmitoyltransferase 1A; minus strand). Cytogenetic location: 11q13.3.
Variant type: single nucleotide variant.
Coding change: c.298C>T on transcript NM_001876.4 (MANE Select); coding-DNA position 298, C replaced by T.
Protein change: p.Gln100Ter; replaces glutamine 100 with a stop codon.
Molecular consequence: nonsense.
Genome position (GRCh38, 1-based): chr11:68,807,622, G>A on the plus strand (C>T on the coding strand, the complement: CPT1A is on the minus strand). VCF-style: chr11-68807622-G-A. GRCh37 (hg19) VCF-style: chr11-68575090-G-A.
Other names: c.298C>T, p.Gln100Ter (NM_001031847.3); short protein forms Q100*.
Identifiers: ClinVar variation 9063 (VCV000009063.17), dbSNP rs80356774, ClinGen allele CA221859.

ClinVar aggregate classification (germline): Pathogenic. Review status: criteria provided, multiple submitters, no conflicts (2 of 4 stars). 6 submissions from 6 submitters: Pathogenic (3). 3 of the submissions do not count toward it. Last evaluated 2024-02-23.

Conditions:
Carnitine palmitoyl transferase 1A deficiency. Also called: Carnitine palmitoyltransferase 1A deficiency; Carnitine palmitoyltransferase type I deficiency; CPT I DEFICIENCY; CPT DEFICIENCY, HEPATIC, TYPE I; CPT deficiency, hepatic, type IA. Identifiers: Orphanet 156, MedGen C1829703, MONDO:0009705, OMIM 255120.

Submissions (6):

Fulgent Genetics
Classification: Pathogenic for Carnitine palmitoyl transferase 1A deficiency. Last evaluated: 2024-02-23. Review status: criteria provided, single submitter. Criteria: ACMG Guidelines, 2015. Collection method: clinical testing. Allele origin: germline.

Labcorp Genetics (formerly Invitae), Labcorp
Classification: Pathogenic for Carnitine palmitoyl transferase 1A deficiency. Last evaluated: 2023-11-19. Review status: criteria provided, single submitter. Criteria: Invitae Variant Classification Sherloc (09022015). Collection method: clinical testing. Allele origin: germline.
Comment: This sequence change creates a premature translational stop signal (p.Gln100*) in the CPT1A gene. It is expected to result in an absent or disrupted protein product. Loss-of-function variants in CPT1A are known to be pathogenic (PMID: 16169268). This variant is not present in population databases (gnomAD no frequency). This premature translational stop signal has been observed in individual(s) with carnitine palmitoyltransferase 1A deficiency (PMID: 12189492). ClinVar contains an entry for this variant (Variation ID: 9063). For these reasons, this variant has been classified as Pathogenic.

Eurofins Ntd Llc (ga)
Classification: Pathogenic. Last evaluated: 2013-09-10. Review status: criteria provided, single submitter. Criteria: EGL Classification Definitions. Collection method: clinical testing. Allele origin: germline. Observed: 1 variant allele, 1 homozygote.

Counsyl
Classification: Likely pathogenic for Carnitine palmitoyl transferase 1A deficiency. Last evaluated: 2018-01-16. Review status: no assertion criteria provided. Collection method: clinical testing. Allele origin: unknown. Not counted in ClinVar's aggregate classification.

OMIM
Classification: Pathogenic for CARNITINE PALMITOYLTRANSFERASE IA DEFICIENCY. Last evaluated: 2002-08-01. Review status: no assertion criteria provided. Collection method: literature only. Allele origin: germline. Not counted in ClinVar's aggregate classification.

GeneReviews
No classification provided. Condition: Carnitine palmitoyl transferase 1A deficiency. Review status: no classification provided. Collection method: literature only. Allele origin: germline. Not counted in ClinVar's aggregate classification.

Literature cited by the submitters: PubMed 16169268 (cited by Labcorp Genetics (formerly Invitae), Labcorp); PubMed 12189492 (cited by 3 submitters); NCBI Bookshelf NBK1527 (cited by GeneReviews).